The following is an entry in ClinVar:

NM_001164508.2(NEB):c.11360C>G (p.Pro3787Arg)

Gene: NEB (nebulin; minus strand). Cytogenetic location: 2q23.3.
Variant type: single nucleotide variant.
Coding change: c.11360C>G on transcript NM_001164508.2 (MANE Select); coding-DNA position 11360, C replaced by G.
Protein change: p.Pro3787Arg; replaces proline 3787 with arginine.
Molecular consequence: missense variant.
Genome position (GRCh38, 1-based): chr2:151,614,517, G>C on the plus strand (C>G on the coding strand, the complement: NEB is on the minus strand). VCF-style: chr2-151614517-G-C. GRCh37 (hg19) VCF-style: chr2-152471031-G-C.
Other names: c.11360C>G, p.Pro3787Arg (NM_001164507.2, NM_001271208.2); c.10631C>G, p.Pro3544Arg (NM_004543.5); short protein forms P3544R, P3787R.
Identifiers: ClinVar variation 1984279 (VCV001984279.4), dbSNP rs200557002, ClinGen allele CA348782204.
Genomic context (GRCh38, chr2:151,614,517, plus strand): 5'-TCCTTCTTGTACTCCCTGTCACTCTGGATCTTGGCCACATGGATGGACCACATCATCTTC[G>C]GGTCATCCTTAATGTTCCGGGCCCCAATATGGTGGCCAAGCTGTTTGCGGTAGCCTTCCT-3'
Protein context (NP_001157980.2, residues 3777-3797): HIGARNIKDD[Pro3787Arg]KMMWSIHVAK

ClinVar aggregate classification (germline): Uncertain significance. Review status: criteria provided, multiple submitters, no conflicts (2 of 4 stars). 2 submissions from 2 submitters: Uncertain significance (2). Last evaluated 2022-03-16.

Conditions:
Nemaline myopathy 2 (NEM2). Also called: Nemaline myopathy 2, autosomal recessive. Identifiers: MedGen C1850569, MONDO:0009725, OMIM 256030.

gnomAD v4.1: 3 of 1,613,640 alleles (0.00019%); highest among the groups gnomAD compares: Non-Finnish European, 0.00025%; no homozygotes.

Submissions (2):

Labcorp Genetics (formerly Invitae), Labcorp
Classification: Uncertain significance for Nemaline myopathy 2. Last evaluated: 2022-03-16. Review status: criteria provided, single submitter. Criteria: Invitae Variant Classification Sherloc (09022015). Collection method: clinical testing. Allele origin: germline.
Comment: This sequence change replaces proline, which is neutral and non-polar, with arginine, which is basic and polar, at codon 3787 of the NEB protein (p.Pro3787Arg). This variant is present in population databases (no rsID available, gnomAD 0.007%). This variant has not been reported in the literature in individuals affected with NEB-related conditions. Algorithms developed to predict the effect of missense changes on protein structure and function are either unavailable or do not agree on the potential impact of this missense change (SIFT: "Deleterious"; PolyPhen-2: "Not Available"; Align-GVGD: "Class C0"). In summary, the available evidence is currently insufficient to determine the role of this variant in disease. Therefore, it has been classified as a Variant of Uncertain Significance.

Revvity Omics, Revvity
Classification: Uncertain significance. Last evaluated: 2021-03-19. Review status: criteria provided, single submitter. Criteria: ACMG Guidelines, 2015. Collection method: clinical testing. Allele origin: germline.